The following is an entry in ClinVar:

ClinVar aggregate classification (germline): Likely pathogenic (1 of 4 stars; one submission).

Conditions:
Smith-Lemli-Opitz syndrome (SLOS). Also called: LETHAL ACRODYSGENITAL SYNDROME; POLYDACTYLY, SEX REVERSAL, RENAL HYPOPLASIA, AND UNILOBAR LUNG; RSH SYNDROME; RUTLEDGE LETHAL MULTIPLE CONGENITAL ANOMALY SYNDROME; 7-Dehydrocholesterol reductase deficiency. Identifiers: Orphanet 818, MedGen C0175694, MONDO:0010035, OMIM 270400.

Submission:

Myriad Genetics, Inc.
Classification: Likely pathogenic for Smith-Lemli-Opitz syndrome. Last evaluated: 2022-01-02. Review status: criteria provided, single submitter. Criteria: Myriad Women's Health Autosomal Recessive and X-Linked Classification Criteria (2021). Collection method: clinical testing. Allele origin: unknown.
Comment: NM_001360.2(DHCR7):c.495_496delGT(S166Lfs*60) is expected to be pathogenic in the context of Smith-Lemli-Opitz syndrome. This variant is predicted to lead to an abnormal or absent protein product due to the creation of a premature termination codon in DHCR7, a gene where loss-of-function variants are known to be pathogenic. Please note: this variant was assessed in the context of healthy population screening.

NM_001360.3(DHCR7):c.495_496del (p.Ser166fs)

Gene: DHCR7 (7-dehydrocholesterol reductase; minus strand). Cytogenetic location: 11q13.4.
Variant type: Deletion.
Coding change: c.495_496del on transcript NM_001360.3 (MANE Select); coding-DNA positions 495 to 496, 2 bases deleted (GT; older notation c.495_496delGT).
Protein change: p.Ser166fs; shifts the reading frame from serine 166.
Molecular consequence: frameshift variant.
Genome position (GRCh38, 1-based): chr11:71,441,357-71,441,358, AC deleted on the plus strand (GT on the coding strand, the reverse complement: DHCR7 is on the minus strand); deleting any 2 consecutive bases within chr11:71,441,357-71,441,359 gives the same sequence; the c. name uses the placement nearest the transcript's 3' end. VCF-style (leftmost placement, unchanged base first): chr11-71441356-GAC-G. GRCh37 (hg19) VCF-style: chr11-71152402-GAC-G.
Other names: c.495_496del, p.Ser166fs (NM_001163817.2); short protein forms S166fs.
Identifiers: ClinVar variation 1726797 (VCV001726797.2), dbSNP rs2539228241, ClinGen allele CA2580084857.